The following is an entry in ClinVar:

NM_006341.4(MAD2L2):c.618C>T (p.Arg206=)

Gene: MAD2L2 (mitotic arrest deficient 2 like 2; minus strand). Cytogenetic location: 1p36.22.
Variant type: single nucleotide variant.
Coding change: c.618C>T on transcript NM_006341.4 (MANE Select); coding-DNA position 618, C replaced by T.
Protein change: p.Arg206=; no amino-acid change (arginine 206 retained).
Molecular consequence: synonymous variant.
Genome position (GRCh38, 1-based): chr1:11,674,793, G>A on the plus strand (C>T on the coding strand, the complement: MAD2L2 is on the minus strand). VCF-style: chr1-11674793-G-A. GRCh37 (hg19) VCF-style: chr1-11734850-G-A.
Other names: c.618C>T (NM_001127325.1); c.618C>T, p.Arg206= (NM_001127325.2).
Identifiers: ClinVar variation 2180851 (VCV002180851.7), dbSNP rs770656293, ClinGen allele CA593624.
Genomic context (GRCh38, chr1:11,674,793, plus strand): 5'-AAGTCTGACAGTTTGGGCATCAGTGGGGTGGCAGGTGCCCCCTCAGCTGCCTTTATGAGC[G>A]CGCTCTTCCACGTAAAGCTGCATCTGACGGACACAAGCAAACAGCCACAGTCAGCAAGAC-3'
Protein context (NP_006332.3, residues 196-211): ILKMQLYVEE[Arg206=]AHKGS

ClinVar aggregate classification (germline): Likely benign. Review status: criteria provided, multiple submitters, no conflicts (2 of 4 stars). 3 submissions from 3 submitters: Likely benign (2). 1 of the submissions does not count toward it. Last evaluated 2025-11-04.

Conditions:
MAD2L2-related disorder. Also called: MAD2L2-related condition.

Allele frequency attached by ClinVar (database versions not stated): gnomAD 0.00005; gnomAD exomes 0.00009; ExAC 0.00010; TOPMed 0.00010.

Submissions (3):

Labcorp Genetics (formerly Invitae), Labcorp
Classification: Likely benign. Last evaluated: 2025-11-04. Review status: criteria provided, single submitter. Criteria: Invitae Variant Classification Sherloc (09022015). Collection method: clinical testing. Allele origin: germline.

Ambry Genetics
Classification: Likely benign. Last evaluated: 2025-10-02. Review status: criteria provided, single submitter. Criteria: Ambry Variant Classification Scheme 2023. Collection method: clinical testing. Allele origin: germline.

PreventionGenetics, part of Exact Sciences
Classification: Likely benign for MAD2L2-related condition. Last evaluated: 2023-11-16. Review status: no assertion criteria provided. Collection method: clinical testing. Allele origin: germline. Not counted in ClinVar's aggregate classification.
Comment: This variant is classified as likely benign based on ACMG/AMP sequence variant interpretation guidelines (Richards et al. 2015 PMID: 25741868, with internal and published modifications).